The following is an entry in ClinVar:

NM_000088.4(COL1A1):c.697-2A>T

Genes: COL1A1 (collagen type I alpha 1 chain; minus strand), LOC126862586 (CDK7 strongly-dependent group 2 enhancer GRCh37_chr17:48273702-48274901; plus strand). Cytogenetic location: 17q21.33.
Variant type: single nucleotide variant.
Coding change: c.697-2A>T on transcript NM_000088.4 (MANE Select); the canonical splice acceptor site of the intron before coding-DNA position 697, A replaced by T.
Molecular consequence: splice acceptor variant.
Genome position (GRCh38, 1-based): chr17:50,197,235, T>A on the plus strand (A>T on the coding strand, the complement: COL1A1 is on the minus strand). VCF-style: chr17-50197235-T-A. GRCh37 (hg19) VCF-style: chr17-48274596-T-A.
Identifiers: ClinVar variation 2736628 (VCV002736628.3), dbSNP rs67047253, ClinGen allele CA291547683.

ClinVar aggregate classification (germline): Pathogenic (1 of 4 stars; one submission).

Conditions:
Osteogenesis imperfecta type I (OI1). Also called: Classic Non-deforming Osteogenesis Imperfecta with Blue Sclerae; Lobstein disease; OI, TYPE I; OSTEOGENESIS IMPERFECTA TARDA; OSTEOGENESIS IMPERFECTA WITH BLUE SCLERAE; Osteogenesis imperfecta type 1. Identifiers: Orphanet 216796, Orphanet 666, MedGen C0023931, MONDO:0008146, OMIM 166200. Disease mechanism: loss of function.

Submission:

Labcorp Genetics (formerly Invitae), Labcorp
Classification: Pathogenic for Osteogenesis imperfecta type I. Last evaluated: 2023-09-10. Review status: criteria provided, single submitter. Criteria: Invitae Variant Classification Sherloc (09022015). Collection method: clinical testing. Allele origin: germline.
Comment: For these reasons, this variant has been classified as Pathogenic. Algorithms developed to predict the effect of sequence changes on RNA splicing suggest that this variant may disrupt the consensus splice site. Disruption of this splice site has been observed in individuals with osteogenesis imperfecta (PMID: 17078022). This variant is not present in population databases (gnomAD no frequency). This sequence change affects an acceptor splice site in intron 9 of the COL1A1 gene. It is expected to disrupt RNA splicing. Variants that disrupt the donor or acceptor splice site typically lead to a loss of protein function (PMID: 16199547), and loss-of-function variants in COL1A1 are known to be pathogenic (PMID: 7942841, 9295084, 9443882).

Literature cited by the submitters: PubMed 17078022; PubMed 16199547; PubMed 7942841; PubMed 9295084; PubMed 9443882.